The following is an entry in ClinVar:

ClinVar aggregate classification (germline): Likely benign (1 of 4 stars; one submission).

Allele frequency attached by ClinVar (database versions not stated): 1000 Genomes Project 30x 0.00078; 1000 Genomes Project 0.00080; ExAC 0.00101; gnomAD 0.00257.
gnomAD v4.1: 1,925 of 711,260 alleles (0.27%); highest among the groups gnomAD compares: Non-Finnish European, 0.42%; 4 homozygotes.

Submission:

CeGaT Center for Human Genetics Tuebingen
Classification: Likely benign. Last evaluated: 2023-02-01. Review status: criteria provided, single submitter. Criteria: CeGaT Center For Human Genetics Tuebingen Variant Classification Criteria Version 2. Collection method: clinical testing. Allele origin: germline. Affected: yes. Observed: 2 variant alleles.
Comment: EIF2B1: BS2

NM_001414.4(EIF2B1):c.482+191A>G

Gene: EIF2B1 (eukaryotic translation initiation factor 2B subunit alpha; minus strand). Cytogenetic location: 12q24.31.
Variant type: single nucleotide variant.
Coding change: c.482+191A>G on transcript NM_001414.4 (MANE Select); 191 bases into the intron after coding-DNA position 482, A replaced by G.
Molecular consequence: intron variant.
Genome position (GRCh38, 1-based): chr12:123,626,853, T>C on the plus strand (A>G on the coding strand, the complement: EIF2B1 is on the minus strand). VCF-style: chr12-123626853-T-C. GRCh37 (hg19) VCF-style: chr12-124111400-T-C.
Identifiers: ClinVar variation 2643514 (VCV002643514.24), dbSNP rs117835143, ClinGen allele CA6860087.